The following is an entry in ClinVar:

ClinVar aggregate classification (germline): Benign/Likely benign. Review status: criteria provided, multiple submitters, no conflicts (2 of 4 stars). 7 submissions from 7 submitters: Benign (2); Likely benign (5). Last evaluated 2026-01-04.

Conditions:
Autosomal recessive ataxia, Beauce type. Also called: ATAXIA, RECESSIVE, OF BEAUCE; Spinocerebellar ataxia, autosomal recessive 8; SYNE1-Related Autosomal Recessive Cerebellar Ataxia; SYNE1 Deficiency. Identifiers: Orphanet 88644, MedGen C1853116, MONDO:0012549, OMIM 610743.
Emery-Dreifuss muscular dystrophy 4, autosomal dominant (EDMD4). Also called: EMERY-DREIFUSS MUSCULAR DYSTROPHY 4 WITH VARIABLE FEATURES. Identifiers: Orphanet 261, MedGen C2751807, MONDO:0013071, OMIM 612998.

Allele frequency attached by ClinVar (database versions not stated): gnomAD exomes 0.00029 and 0.00076; ExAC 0.00109; 1000 Genomes Project 0.00260; 1000 Genomes Project 30x 0.00265; gnomAD 0.00283 and 0.00302; TOPMed 0.00327; ESP Exome Variant Server 0.00446.
gnomAD v4.1: 870 of 1,614,108 alleles (0.054%); highest among the groups gnomAD compares: African/African-American, 1.1%; 2 homozygotes.

Submissions (7):

Labcorp Genetics (formerly Invitae), Labcorp
Classification: Benign for Emery-Dreifuss muscular dystrophy 4, autosomal dominant; Autosomal recessive ataxia, Beauce type. Last evaluated: 2026-01-04. Review status: criteria provided, single submitter. Criteria: Invitae Variant Classification Sherloc (09022015). Collection method: clinical testing. Allele origin: germline.

Blueprint Genetics
Classification: Likely benign. Last evaluated: 2024-11-25. Review status: criteria provided, single submitter. Criteria: ACMG Guidelines, 2015. Collection method: clinical testing. Allele origin: germline.

CeGaT Center for Human Genetics Tuebingen
Classification: Likely benign. Last evaluated: 2024-04-01. Review status: criteria provided, single submitter. Criteria: CeGaT Center For Human Genetics Tuebingen Variant Classification Criteria Version 2. Collection method: clinical testing. Allele origin: germline. Affected: yes. Observed: 1 variant allele.
Comment: SYNE1: BP4, BS1

Athena Diagnostics
Classification: Benign. Last evaluated: 2020-10-16. Review status: criteria provided, single submitter. Criteria: Athena Diagnostics criteria. Collection method: clinical testing. Allele origin: unknown.

GeneDx
Classification: Likely benign. Last evaluated: 2020-03-19. Review status: criteria provided, single submitter. Criteria: GeneDx Variant Classification Process June 2021. Collection method: clinical testing. Allele origin: germline. Affected: yes.

Breakthrough Genomics
Classification: Likely benign. Review status: criteria provided, single submitter. Criteria: ACMG Guidelines, 2015. Collection method: not provided. Allele origin: germline. Inheritance: Autosomal recessive inheritance. Affected: yes.

PreventionGenetics, part of Exact Sciences
Classification: Likely benign. Review status: criteria provided, single submitter. Criteria: ACMG Guidelines, 2015. Collection method: clinical testing. Allele origin: germline.

NM_182961.4(SYNE1):c.21330C>T (p.Thr7110=)

Gene: SYNE1 (spectrin repeat containing nuclear envelope protein 1; minus strand). Cytogenetic location: 6q25.2.
Variant type: single nucleotide variant.
Coding change: c.21330C>T on transcript NM_182961.4 (MANE Select); coding-DNA position 21330, C replaced by T.
Protein change: p.Thr7110=; no amino-acid change (threonine 7110 retained).
Molecular consequence: synonymous variant.
Genome position (GRCh38, 1-based): chr6:152,225,742, G>A on the plus strand (C>T on the coding strand, the complement: SYNE1 is on the minus strand). VCF-style: chr6-152225742-G-A. GRCh37 (hg19) VCF-style: chr6-152546877-G-A.
Other names: c.21117C>T, p.Thr7039= (NM_033071.5); c.21330C>T (NM_182961.2).
Identifiers: ClinVar variation 262179 (VCV000262179.36), dbSNP rs75469773, ClinGen allele CA4054192.